The following is an entry in ClinVar:

ClinVar aggregate classification (germline): Benign (1 of 4 stars; one submission).

Conditions:
DICER1-related tumor predisposition. Also called: DICER1-related pleuropulmonary blastoma cancer predisposition syndrome; DICER1 syndrome. Identifiers: Orphanet 284343, MedGen C3839822, MONDO:0100216.

Allele frequency attached by ClinVar (database versions not stated): gnomAD 0.00022 and 0.00039; 1000 Genomes Project 30x 0.00156; gnomAD exomes 0.00261; 1000 Genomes Project 0.01937.
gnomAD v4.1: 244 of 221,694 alleles (0.11%); highest among the groups gnomAD compares: East Asian, 1.5%; 1 homozygote.

Submissions (5):

Illumina Laboratory Services, Illumina
Classification: Benign for Pleuropulmonary blastoma. Last evaluated: 2018-01-13. Review status: criteria provided, single submitter. Criteria: ICSL Variant Classification Criteria 13 December 2019. Collection method: clinical testing. Allele origin: germline.
Comment: This variant was observed in the ICSL laboratory as part of a predisposition screen in an ostensibly healthy population. It had not been previously curated by ICSL or reported in the Human Gene Mutation Database (HGMD: prior to June 1st, 2018), and was therefore a candidate for classification through an automated scoring system. Utilizing variant allele frequency, disease prevalence and penetrance estimates, and inheritance mode, an automated score was calculated to assess if this variant is too frequent to cause the disease. Based on the score and internal cut-off values, a variant classified as benign is not then subjected to further curation. The score for this variant resulted in a classification of benign for this disease.

Dr. Peter K. Rogan Lab, Western University
No classification provided (evidence only). Condition: Cervical cancer. Review status: no classification provided. Collection method: in vitro. Allele origin: not applicable. Functional consequence: retained intron. Not counted in ClinVar's aggregate classification.

Dr. Peter K. Rogan Lab, Western University
No classification provided (evidence only). Condition: Cervical cancer. Review status: no classification provided. Collection method: in vitro. Allele origin: not applicable. Functional consequence: retained intron. Not counted in ClinVar's aggregate classification.

Dr. Peter K. Rogan Lab, Western University
No classification provided (evidence only). Condition: Thymoma. Review status: no classification provided. Collection method: in vitro. Allele origin: not applicable. Functional consequence: retained intron. Not counted in ClinVar's aggregate classification.

Dr. Peter K. Rogan Lab, Western University
No classification provided (evidence only). Condition: Thymoma. Review status: no classification provided. Collection method: in vitro. Allele origin: not applicable. Functional consequence: retained intron. Not counted in ClinVar's aggregate classification.

NM_177438.3(DICER1):c.*1435A>T

Gene: DICER1 (dicer 1, ribonuclease III; minus strand). Cytogenetic location: 14q32.13.
Variant type: single nucleotide variant.
Coding change: c.*1435A>T on transcript NM_177438.3 (MANE Select); 1435 bases downstream of the stop codon, A replaced by T.
Molecular consequence: 3 prime UTR variant.
Genome position (GRCh38, 1-based): chr14:95,089,063, T>A on the plus strand (A>T on the coding strand, the complement: DICER1 is on the minus strand). VCF-style: chr14-95089063-T-A. GRCh37 (hg19) VCF-style: chr14-95555400-T-A.
Other names: NC_000014.8:g.95555400T>A; c.*1551A>T (NM_001195573.1); c.*1435A>T (NM_001271282.3, NM_001291628.2, NM_030621.4).
Identifiers: ClinVar variation 315080 (VCV000315080.7), dbSNP rs570089276, ClinGen allele CA10641394.
Genomic context (GRCh38, chr14:95,089,063, plus strand): 5'-CCACAGCTTTTAAAAAGGTAAATTAAGAGGTATTATAGTTACAGTGCAAAAAAAAAAAAA[T>A]TAAAATTTCAAGCATAATACATAAACATAGCACCAAACAGGGGAAAAATGCATGCAAAAG-3'